The following is an entry in ClinVar:

NM_003185.4(TAF4):c.511G>T (p.Gly171Cys)

Gene: TAF4 (TATA-box binding protein associated factor 4; minus strand). Cytogenetic location: 20q13.33.
Variant type: single nucleotide variant.
Coding change: c.511G>T on transcript NM_003185.4 (MANE Select); coding-DNA position 511, G replaced by T.
Protein change: p.Gly171Cys; replaces glycine 171 with cysteine.
Molecular consequence: missense variant.
Genome position (GRCh38, 1-based): chr20:62,065,300, C>A on the plus strand (G>T on the coding strand, the complement: TAF4 is on the minus strand). VCF-style: chr20-62065300-C-A. GRCh37 (hg19) VCF-style: chr20-60640356-C-A.
Other names: c.511G>T (NM_003185.3); short protein forms G171C.
Identifiers: ClinVar variation 2652466 (VCV002652466.25), dbSNP rs2516041109, ClinGen allele CA409520205.

ClinVar aggregate classification (germline): Uncertain significance. Review status: criteria provided, multiple submitters, no conflicts (2 of 4 stars). 2 submissions from 2 submitters: Uncertain significance (2). Last evaluated 2025-08-30.

Conditions:
Inborn genetic diseases. Identifiers: MedGen C0950123, MeSH D030342.

Submissions (2):

Ambry Genetics
Classification: Uncertain significance for Inborn genetic diseases. Last evaluated: 2025-08-30. Review status: criteria provided, single submitter. Criteria: Ambry Variant Classification Scheme 2023. Collection method: clinical testing. Allele origin: germline.

CeGaT Center for Human Genetics Tuebingen
Classification: Uncertain significance. Last evaluated: 2022-04-01. Review status: criteria provided, single submitter. Criteria: CeGaT Center For Human Genetics Tuebingen Variant Classification Criteria Version 2. Collection method: clinical testing. Allele origin: germline. Affected: yes. Observed: 1 variant allele.
Comment: TAF4: PM2